The following is an entry in ClinVar:

ClinVar aggregate classification (germline): Uncertain significance (1 of 4 stars; one submission).

Conditions:
Intellectual developmental disorder, autosomal recessive 54. Also called: Intellectual disability, autosomal recessive 54. Identifiers: Orphanet 88616, MedGen C4310755, MONDO:0014876, OMIM 617028.

Allele frequency attached by ClinVar (database versions not stated): gnomAD exomes 0.00008 and 0.00016; gnomAD 0.00011 and 0.00012; ESP Exome Variant Server 0.00016; TOPMed 0.00012; ExAC 0.00012.
gnomAD v4.1: 145 of 1,613,756 alleles (0.009%); highest among the groups gnomAD compares: Admixed American, 0.0017%; 1 homozygote.

Submissions (2):

Baylor Genetics
Classification: Uncertain significance for Intellectual developmental disorder, autosomal recessive 54. Last evaluated: 2019-03-07. Review status: criteria provided, single submitter. Criteria: ACMG Guidelines, 2015. Collection method: clinical testing. Allele origin: unknown. Affected: yes.
Comment: This variant was determined to be of uncertain significance according to ACMG Guidelines, 2015 [PMID:25741868].

Dr. Peter K. Rogan Lab, Western University
No classification provided (evidence only). Condition: Thyroid cancer, nonmedullary, 1. Review status: no classification provided. Collection method: in vitro. Allele origin: not applicable. Functional consequence: retained intron. Not counted in ClinVar's aggregate classification.

NM_015028.4(TNIK):c.2869A>G (p.Met957Val)

Gene: TNIK (TRAF2 and NCK interacting kinase; minus strand). Cytogenetic location: 3q26.2.
Variant type: single nucleotide variant.
Coding change: c.2869A>G on transcript NM_015028.4 (MANE Select); coding-DNA position 2869, A replaced by G.
Protein change: p.Met957Val; replaces methionine 957 with valine.
Molecular consequence: missense variant.
Genome position (GRCh38, 1-based): chr3:171,087,359, T>C on the plus strand (A>G on the coding strand, the complement: TNIK is on the minus strand). VCF-style: chr3-171087359-T-C. GRCh37 (hg19) VCF-style: chr3-170805148-T-C.
Other names: NC_000003.11:g.170805148T>C; c.2845A>G, p.Met949Val (NM_001161560.3); c.2782A>G, p.Met928Val (NM_001161561.3); c.2758A>G, p.Met920Val (NM_001161562.3); c.2704A>G, p.Met902Val (NM_001161563.3); c.2680A>G, p.Met894Val (NM_001161564.3); c.2617A>G, p.Met873Val (NM_001161565.3); c.2593A>G, p.Met865Val (NM_001161566.3); short protein forms M928V, M949V, M865V, M873V, M894V, M902V, M920V, M957V.
Identifiers: ClinVar variation 1029340 (VCV001029340.2), dbSNP rs200347488, ClinGen allele CA2703081.